The following is an entry in ClinVar:

ClinVar aggregate classification (germline): Uncertain significance (1 of 4 stars; one submission).

Conditions:
Inborn genetic diseases. Identifiers: MedGen C0950123, MeSH D030342.

Submission:

Ambry Genetics
Classification: Uncertain significance for Inborn genetic diseases. Last evaluated: 2022-02-25. Review status: criteria provided, single submitter. Criteria: Ambry Variant Classification Scheme 2023. Collection method: clinical testing. Allele origin: germline.
Comment: The c.311-5C>T intronic alteration consists of a C to T substitution 5 nucleotides before coding exon 3 in the ABL1 gene. Based on insufficient or conflicting evidence, the clinical significance of this alteration remains unclear.

NM_005157.6(ABL1):c.254-5C>T

Gene: ABL1 (ABL proto-oncogene 1, non-receptor tyrosine kinase; plus strand). Cytogenetic location: 9q34.12.
Variant type: single nucleotide variant.
Coding change: c.254-5C>T on transcript NM_005157.6 (MANE Select); 5 bases into the intron before coding-DNA position 254, C replaced by T.
Molecular consequence: intron variant.
Genome position (GRCh38, 1-based): chr9:130,854,796, C>T. VCF-style: chr9-130854796-C-T. GRCh37 (hg19) VCF-style: chr9-133730183-C-T.
Other names: c.311-5C>T (NM_007313.3).
Identifiers: ClinVar variation 2273548 (VCV002273548.2), dbSNP rs757304525, ClinGen allele CA2580079918.